The following is an entry in ClinVar:

NM_001433705.1(NLRP5):c.958C>T (p.Leu320Phe)

Genes: NLRP5 (NLR family pyrin domain containing 5; plus strand), LOC126862935 (BRD4-independent group 4 enhancer GRCh37_chr19:56537936-56539135; plus strand). Cytogenetic location: 19q13.43.
Variant type: single nucleotide variant.
Coding change: c.958C>T on transcript NM_001433705.1 (MANE Select); coding-DNA position 958, C replaced by T.
Protein change: p.Leu320Phe; replaces leucine 320 with phenylalanine.
Molecular consequence: missense variant.
Genome position (GRCh38, 1-based): chr19:56,027,344, C>T. VCF-style: chr19-56027344-C-T. GRCh37 (hg19) VCF-style: chr19-56538710-C-T.
Other names: NM_153447.4:c.1111C>T; short protein forms L320F.
Identifiers: ClinVar variation 3052311 (VCV003052311.2), dbSNP rs191432085, ClinGen allele CA9685453.

ClinVar aggregate classification (germline): Likely benign (0 of 4 stars; one submission).

Conditions:
NLRP5-related disorder. Also called: NLRP5-related condition.

Allele frequency attached by ClinVar (database versions not stated): 1000 Genomes Project 30x 0.00031; ExAC 0.00034; 1000 Genomes Project 0.00040; gnomAD exomes 0.00040; TOPMed 0.00035; ESP Exome Variant Server 0.00016; gnomAD 0.00028.

Submission:

PreventionGenetics, part of Exact Sciences
Classification: Likely benign for NLRP5-related condition. Last evaluated: 2022-04-01. Review status: no assertion criteria provided. Collection method: clinical testing. Allele origin: germline.
Comment: This variant is classified as likely benign based on ACMG/AMP sequence variant interpretation guidelines (Richards et al. 2015 PMID: 25741868, with internal and published modifications).